The following is an entry in ClinVar:

ClinVar aggregate classification (germline): Benign (1 of 4 stars; one submission).

Allele frequency attached by ClinVar (database versions not stated): 1000 Genomes Project 0.16154; 1000 Genomes Project 30x 0.16287; TOPMed 0.20113; gnomAD 0.21078 and 0.21119; ESP Exome Variant Server 0.21857; ExAC 0.22608; gnomAD exomes 0.23689 and 0.26760.
gnomAD v4.1: 404,599 of 1,546,118 alleles (26%); highest among the groups gnomAD compares: Middle Eastern, 28%; 55,268 homozygotes.

Submission:

GeneDx
Classification: Benign. Last evaluated: 2020-10-28. Review status: criteria provided, single submitter. Criteria: GeneDx Variant Classification Process June 2021. Collection method: clinical testing. Allele origin: germline. Affected: yes.
Comment: This variant is associated with the following publications: (PMID: 26771213)

NM_001145128.3(AK9):c.2443C>T (p.Pro815Ser)

Gene: AK9 (adenylate kinase 9; minus strand). Cytogenetic location: 6q21.
Variant type: single nucleotide variant.
Coding change: c.2443C>T on transcript NM_001145128.3 (MANE Select); coding-DNA position 2443, C replaced by T.
Protein change: p.Pro815Ser; replaces proline 815 with serine.
Molecular consequence: missense variant.
Genome position (GRCh38, 1-based): chr6:109,564,272, G>A on the plus strand (C>T on the coding strand, the complement: AK9 is on the minus strand). VCF-style: chr6-109564272-G-A. GRCh37 (hg19) VCF-style: chr6-109885475-G-A.
Other names: short protein forms P815S.
Identifiers: ClinVar variation 1238583 (VCV001238583.3), dbSNP rs10499052, ClinGen allele CA3955047.